The following is an entry in ClinVar:

NM_004006.3(DMD):c.11015-6_11015-4del

Gene: DMD (dystrophin; minus strand). Cytogenetic location: Xp21.2.
Variant type: Microsatellite.
Coding change: c.11015-6_11015-4del on transcript NM_004006.3 (MANE Select); 6 bases into the intron before coding-DNA position 11015 through 4 bases into the intron before coding-DNA position 11015, 3 bases deleted (TTA; older notation c.11015-6_11015-4delTTA).
Molecular consequence: intron variant.
Genome position (GRCh38, 1-based): chrX:31,126,677-31,126,679, TAA deleted on the plus strand (TTA on the coding strand, the reverse complement: DMD is on the minus strand); deleting any 3 consecutive bases within chrX:31,126,677-31,126,684 gives the same sequence; the c. name uses the placement nearest the transcript's 3' end. VCF-style (leftmost placement, unchanged base first): chrX-31126676-TTAA-T. GRCh37 (hg19) VCF-style: chrX-31144793-TTAA-T.
Other names: p.?; c.10991-6_10991-4del (NM_000109.4); c.6992-6_6992-4del (NM_004011.4); c.6983-6_6983-4del (NM_004012.4); c.3305-4749_3305-4747del (NM_004023.3); c.3305-6_3305-4del (NM_004020.4); c.3596-4749_3596-4747del (NM_004022.3); c.3635-4749_3635-4747del (NM_004021.3); and 9 more.
Identifiers: ClinVar variation 740075 (VCV000740075.14), dbSNP rs748344570, ClinGen allele CA10377477.

ClinVar aggregate classification (germline): Benign/Likely benign. Review status: criteria provided, multiple submitters, no conflicts (2 of 4 stars). 4 submissions from 4 submitters: Benign (1); Likely benign (2). 1 of the submissions does not count toward it. Last evaluated 2025-12-28.

Conditions:
Cardiovascular phenotype. Identifiers: MedGen CN230736.
Duchenne muscular dystrophy (DMD). Also called: MUSCULAR DYSTROPHY, PSEUDOHYPERTROPHIC PROGRESSIVE, DUCHENNE TYPE; Duchenne Muscular Dystrophy (DMD). Identifiers: Orphanet 98896, MedGen C0013264, MONDO:0010679, OMIM 310200.
Dystrophin deficiency.
Becker muscular dystrophy (BMD). Also called: MUSCULAR DYSTROPHY, PSEUDOHYPERTROPHIC PROGRESSIVE, BECKER TYPE; Becker Muscular Dystrophy (BMD). Identifiers: Orphanet 98895, MedGen C0917713, MONDO:0010311, OMIM 300376.
Cardiomyopathy (CMYO). Also called: Cardiomyopathies. Identifiers: Orphanet 167848, MedGen C0878544, MONDO:0004994, HP:0001638. Inheritance: Various modes of inheritance.

Submissions (4):

Labcorp Genetics (formerly Invitae), Labcorp
Classification: Benign for Duchenne muscular dystrophy. Last evaluated: 2025-12-28. Review status: criteria provided, single submitter. Criteria: Invitae Variant Classification Sherloc (09022015). Collection method: clinical testing. Allele origin: germline.

Ambry Genetics
Classification: Likely benign for Cardiovascular phenotype. Last evaluated: 2025-12-03. Review status: criteria provided, single submitter. Criteria: Ambry Variant Classification Scheme 2023. Collection method: clinical testing. Allele origin: germline.

Mayo Clinic Laboratories, Mayo Clinic
Classification: Likely benign. Last evaluated: 2025-11-01. Review status: criteria provided, single submitter. Criteria: ACMG Guidelines, 2015. Collection method: clinical testing. Allele origin: germline. Observed: 1 variant allele.
Comment: BP4, BP7

Natera, Inc.
Classification: Likely benign for Becker muscular dystrophy; Cardiomyopathy; Duchenne muscular dystrophy; Dystrophin deficiency. Last evaluated: 2019-06-27. Review status: no assertion criteria provided. Collection method: clinical testing. Allele origin: germline. Not counted in ClinVar's aggregate classification.